The following is an entry in ClinVar:

NM_005912.3(MC4R):c.419T>C (p.Leu140Pro)

Gene: MC4R (melanocortin 4 receptor; minus strand). Cytogenetic location: 18q21.32.
Variant type: single nucleotide variant.
Coding change: c.419T>C on transcript NM_005912.3 (MANE Select); coding-DNA position 419, T replaced by C.
Protein change: p.Leu140Pro; replaces leucine 140 with proline.
Molecular consequence: missense variant.
Genome position (GRCh38, 1-based): chr18:60,371,931, A>G on the plus strand (T>C on the coding strand, the complement: MC4R is on the minus strand). VCF-style: chr18-60371931-A-G. GRCh37 (hg19) VCF-style: chr18-58039164-A-G.
Other names: short protein forms L140P.
Identifiers: ClinVar variation 2088159 (VCV002088159.4), dbSNP rs2511560489, ClinGen allele CA402719851.

ClinVar aggregate classification (germline): Uncertain significance (1 of 4 stars; one submission).

Submission:

Labcorp Genetics (formerly Invitae), Labcorp
Classification: Uncertain significance. Last evaluated: 2022-01-20. Review status: criteria provided, single submitter. Criteria: Invitae Variant Classification Sherloc (09022015). Collection method: clinical testing. Allele origin: germline.
Comment: This sequence change replaces leucine, which is neutral and non-polar, with proline, which is neutral and non-polar, at codon 140 of the MC4R protein (p.Leu140Pro). This variant is not present in population databases (gnomAD no frequency). This variant has not been reported in the literature in individuals affected with MC4R-related conditions. Advanced modeling of protein sequence and biophysical properties (such as structural, functional, and spatial information, amino acid conservation, physicochemical variation, residue mobility, and thermodynamic stability) performed at Invitae indicates that this missense variant is expected to disrupt MC4R protein function. In summary, the available evidence is currently insufficient to determine the role of this variant in disease. Therefore, it has been classified as a Variant of Uncertain Significance.